The following is an entry in ClinVar:

NM_021020.5(LZTS1):c.858G>C (p.Glu286Asp)

Gene: LZTS1 (leucine zipper tumor suppressor 1; minus strand). Cytogenetic location: 8p21.3.
Variant type: single nucleotide variant.
Coding change: c.858G>C on transcript NM_021020.5 (MANE Select); coding-DNA position 858, G replaced by C.
Protein change: p.Glu286Asp; replaces glutamic acid 286 with aspartic acid.
Molecular consequence: missense variant.
Genome position (GRCh38, 1-based): chr8:20,253,073, C>G on the plus strand (G>C on the coding strand, the complement: LZTS1 is on the minus strand). VCF-style: chr8-20253073-C-G. GRCh37 (hg19) VCF-style: chr8-20110584-C-G.
Other names: c.858G>C, p.Glu286Asp (NM_001362884.2); short protein forms E286D.
Identifiers: ClinVar variation 4767489 (VCV004767489.1).

ClinVar aggregate classification (germline): Uncertain significance (1 of 4 stars; one submission).

gnomAD v4.1: 3 of 1,608,432 alleles (0.00019%); highest among the groups gnomAD compares: African/African-American, 0.004%; no homozygotes.

Submission:

Labcorp Genetics (formerly Invitae), Labcorp
Classification: Uncertain significance. Last evaluated: 2025-10-22. Review status: criteria provided, single submitter. Criteria: Invitae Variant Classification Sherloc (09022015). Collection method: clinical testing. Allele origin: germline.
Comment: This sequence change replaces glutamic acid, which is acidic and polar, with aspartic acid, which is acidic and polar, at codon 286 of the LZTS1 protein (p.Glu286Asp). The frequency data for this variant in the population databases is considered unreliable, as metrics indicate poor data quality at this position in the gnomAD database. This variant has not been reported in the literature in individuals affected with LZTS1-related conditions. Invitae Evidence Modeling of protein sequence and biophysical properties (such as structural, functional, and spatial information, amino acid conservation, physicochemical variation, residue mobility, and thermodynamic stability) indicates that this missense variant is not expected to disrupt LZTS1 protein function with a negative predictive value of 80%. In summary, the available evidence is currently insufficient to determine the role of this variant in disease. Therefore, it has been classified as a Variant of Uncertain Significance.